The following is an entry in ClinVar:

NM_153033.5(KCTD7):c.335G>A (p.Arg112His)

Gene: KCTD7 (potassium channel tetramerization domain containing 7; plus strand). Cytogenetic location: 7q11.21.
Variant type: single nucleotide variant.
Coding change: c.335G>A on transcript NM_153033.5 (MANE Select); coding-DNA position 335, G replaced by A.
Protein change: p.Arg112His; replaces arginine 112 with histidine.
Molecular consequence: missense variant.
Genome position (GRCh38, 1-based): chr7:66,638,273, G>A. VCF-style: chr7-66638273-G-A. GRCh37 (hg19) VCF-style: chr7-66103260-G-A.
Other names: p.R112H:CGC>CAC; c.335G>A, p.Arg112His (NM_001167961.2); short protein forms R112H.
Identifiers: ClinVar variation 206015 (VCV000206015.13), dbSNP rs774026720, ClinGen allele CA315693.

ClinVar aggregate classification (germline): Conflicting classifications of pathogenicity. Review status: criteria provided, conflicting classifications (1 of 4 stars). 3 submissions from 3 submitters: Pathogenic (1); Likely pathogenic (1); Uncertain significance (1). Last evaluated 2020-02-21.

Conditions:
Progressive myoclonic epilepsy type 3. Also called: KCTD7-Related Progressive Myoclonic Epilepsy; EPILEPSY, PROGRESSIVE MYOCLONIC, 3, WITH OR WITHOUT INTRACELLULAR INCLUSIONS; CEROID LIPOFUSCINOSIS, NEURONAL, 14; EPILEPSY, PROGRESSIVE MYOCLONIC, 3, WITHOUT INTRACELLULAR INCLUSIONS. Identifiers: Orphanet 263516, MedGen C2673257, MONDO:0012721, OMIM 611726.

Allele frequency attached by ClinVar (database versions not stated): gnomAD exomes below 0.00001; ExAC 0.00001; TOPMed 0.00001.

Submissions (3):

Labcorp Genetics (formerly Invitae), Labcorp
Classification: Uncertain significance for Progressive myoclonic epilepsy type 3. Last evaluated: 2020-02-21. Review status: criteria provided, single submitter. Criteria: Invitae Variant Classification Sherloc (09022015). Collection method: clinical testing. Allele origin: germline.
Comment: In summary, the available evidence is currently insufficient to determine the role of this variant in disease. Therefore, it has been classified as a Variant of Uncertain Significance. This variant has been observed in individual(s) with clinical features of epilepsy and neurodevelopmental disorders (PMID: 29655203). ClinVar contains an entry for this variant (Variation ID: 206015). Algorithms developed to predict the effect of missense changes on protein structure and function (SIFT, PolyPhen-2, Align-GVGD) all suggest that this variant is likely to be disruptive, but these predictions have not been confirmed by published functional studies and their clinical significance is uncertain. This variant is present in population databases (rs774026720, ExAC 0.001%). This sequence change replaces arginine with histidine at codon 112 of the KCTD7 protein (p.Arg112His). The arginine residue is highly conserved and there is a small physicochemical difference between arginine and histidine.

Department of Genetics, Sultan Qaboos University Hospital
Classification: Pathogenic for Progressive myoclonic epilepsy type 3. Last evaluated: 2017-12-30. Review status: criteria provided, single submitter. Criteria: ACMG Guidelines, 2015. Collection method: clinical testing. Allele origin: unknown. Affected: yes.

GeneDx
Classification: Likely pathogenic. Last evaluated: 2014-12-05. Review status: criteria provided, single submitter. Criteria: GeneDx Variant Classification (06012015). Collection method: clinical testing. Allele origin: germline. Affected: yes.
Comment: The R112H variant that is likely pathogenic has been identified in the KCTD7 gene. The R112H variant has not been published as a mutation, nor has it been reported as a benign polymorphism to our knowledge. It was not observed in approximately 6,500 individuals of European and African American ancestry in the NHLBI Exome Sequencing Project, indicating it is not a common benign variant in these populations. This substitution alters a highly conserved position predicted to be within the BTB domain of the KCTD7 protein. In silico analysis predicts this variant is probably damaging to the protein structure/function. However, the R112H variant is a conservative amino acid substitution, which is not likely to impact secondary protein structure as these residues share similar properties. Therefore, this variant is a strong candidate for a pathogenic mutation, however the possibility that it is a benign variant cannot be excluded. The variant is found in EPILEPSY panel(s).

Literature cited by the submitters: PubMed 29655203 (cited by Labcorp Genetics (formerly Invitae), Labcorp).